The following is an entry in ClinVar:

ClinVar aggregate classification (germline): Uncertain significance. Review status: criteria provided, multiple submitters, no conflicts (2 of 4 stars). 2 submissions from 2 submitters: Uncertain significance (2). Last evaluated 2024-11-08.

Conditions:
Hereditary cancer-predisposing syndrome. Also called: Tumor predisposition; Hereditary Cancer Syndrome; Neoplastic Syndromes, Hereditary; Hereditary neoplastic syndrome. Identifiers: Orphanet 140162, MedGen C0027672, MeSH D009386, MONDO:0015356.

Submissions (2):

Ambry Genetics
Classification: Uncertain significance for Hereditary cancer-predisposing syndrome. Last evaluated: 2024-11-08. Review status: criteria provided, single submitter. Criteria: Ambry Variant Classification Scheme 2023. Collection method: clinical testing. Allele origin: germline.
Comment: The p.F240L variant (also known as c.720C>A), located in coding exon 2 of the HOXB13 gene, results from a C to A substitution at nucleotide position 720. The phenylalanine at codon 240 is replaced by leucine, an amino acid with highly similar properties. This amino acid position is highly conserved in available vertebrate species. In addition, this alteration is predicted to be deleterious by in silico analysis. Based on the available evidence, the clinical significance of this variant remains unclear.

Labcorp Genetics (formerly Invitae), Labcorp
Classification: Uncertain significance. Last evaluated: 2023-12-20. Review status: criteria provided, single submitter. Criteria: Invitae Variant Classification Sherloc (09022015). Collection method: clinical testing. Allele origin: germline.
Comment: This sequence change replaces phenylalanine, which is neutral and non-polar, with leucine, which is neutral and non-polar, at codon 240 of the HOXB13 protein (p.Phe240Leu). This variant is not present in population databases (gnomAD no frequency). This missense change has been observed in individual(s) with HOXB13-related conditions (PMID: 26176944). Advanced modeling of protein sequence and biophysical properties (such as structural, functional, and spatial information, amino acid conservation, physicochemical variation, residue mobility, and thermodynamic stability) performed at Invitae indicates that this missense variant is expected to disrupt HOXB13 protein function with a positive predictive value of 80%. Experimental studies have shown that this missense change affects HOXB13 function (PMID: 28050579). In summary, the available evidence is currently insufficient to determine the role of this variant in disease. Therefore, it has been classified as a Variant of Uncertain Significance.

Literature cited by the submitters: PubMed 26176944 (cited by Labcorp Genetics (formerly Invitae), Labcorp); PubMed 28050579 (cited by Labcorp Genetics (formerly Invitae), Labcorp).

NM_006361.6(HOXB13):c.720C>A (p.Phe240Leu)

Gene: HOXB13 (homeobox B13; minus strand). Cytogenetic location: 17q21.32.
Variant type: single nucleotide variant.
Coding change: c.720C>A on transcript NM_006361.6 (MANE Select); coding-DNA position 720, C replaced by A.
Protein change: p.Phe240Leu; replaces phenylalanine 240 with leucine.
Molecular consequence: missense variant.
Genome position (GRCh38, 1-based): chr17:48,726,925, G>T on the plus strand (C>A on the coding strand, the complement: HOXB13 is on the minus strand). VCF-style: chr17-48726925-G-T. GRCh37 (hg19) VCF-style: chr17-46804287-G-T.
Other names: short protein forms F240L.
Identifiers: ClinVar variation 2736613 (VCV002736613.3), dbSNP rs1597932759, ClinGen allele CA400106325.